The following is an entry in ClinVar:

NM_016816.4(OAS1):c.116G>T (p.Gly39Val)

Genes: OAS1 (2'-5'-oligoadenylate synthetase 1; plus strand), LOC130008812 (ATAC-STARR-seq lymphoblastoid active region 7052; plus strand). Cytogenetic location: 12q24.13.
Variant type: single nucleotide variant.
Coding change: c.116G>T on transcript NM_016816.4 (MANE Select); coding-DNA position 116, G replaced by T.
Protein change: p.Gly39Val; replaces glycine 39 with valine.
Molecular consequence: missense variant.
Genome position (GRCh38, 1-based): chr12:112,907,155, G>T. VCF-style: chr12-112907155-G-T. GRCh37 (hg19) VCF-style: chr12-113344960-G-T.
Other names: c.116G>T (NM_016816.2); c.116G>T, p.Gly39Val (NM_001032409.3, NM_001320151.2, NM_002534.4); short protein forms G39V.
Identifiers: ClinVar variation 1405939 (VCV001405939.8), dbSNP rs770540128, ClinGen allele CA243745547.

ClinVar aggregate classification (germline): Conflicting classifications of pathogenicity. Review status: criteria provided, conflicting classifications (1 of 4 stars). 3 submissions from 3 submitters: Uncertain significance (1); Likely benign (2). Last evaluated 2025-12-03.

Allele frequency attached by ClinVar (database versions not stated): gnomAD 0.00001; TOPMed 0.00001; gnomAD exomes 0.00007.
gnomAD v4.1: 99 of 1,614,074 alleles (0.0061%); highest among the groups gnomAD compares: Non-Finnish European, 0.0082%; no homozygotes.

Submissions (3):

Ambry Genetics
Classification: Uncertain significance. Last evaluated: 2025-12-03. Review status: criteria provided, single submitter. Criteria: Ambry Variant Classification Scheme 2023. Collection method: clinical testing. Allele origin: germline.

Labcorp Genetics (formerly Invitae), Labcorp
Classification: Likely benign. Last evaluated: 2025-05-04. Review status: criteria provided, single submitter. Criteria: Invitae Variant Classification Sherloc (09022015). Collection method: clinical testing. Allele origin: germline.

Women's Health and Genetics/Laboratory Corporation of America, LabCorp
Classification: Likely benign. Last evaluated: 2025-03-17. Review status: criteria provided, single submitter. Criteria: LabCorp Variant Classification Summary - May 2015. Collection method: clinical testing. Allele origin: germline.
Comment: Variant summary: OAS1 c.116G>T (p.Gly39Val) results in a non-conservative amino acid change in the encoded protein sequence. Four of five in-silico tools predict a benign effect of the variant on protein function. The variant allele was found at a frequency of 6.1e-05 in 1614074 control chromosomes, predominantly at a frequency of 8.2e-05 within the Non-Finnish European subpopulation in the gnomAD database. The observed variant frequency within Non-Finnish European control individuals in the gnomAD database is approximately 131.2 fold of the estimated maximal expected allele frequency for a pathogenic variant in OAS1 causing Pulmonary alveolar proteinosis with hypogammaglobulinemia phenotype (6.3e-07). To our knowledge, no occurrence of c.116G>T in individuals affected with Pulmonary alveolar proteinosis with hypogammaglobulinemia and no experimental evidence demonstrating its impact on protein function have been reported. ClinVar contains an entry for this variant (Variation ID: 1405939). Based on the evidence outlined above, the variant was classified as likely benign.